The following is an entry in ClinVar:

NM_001267550.2(TTN):c.92444G>A (p.Cys30815Tyr)

Genes: TTN (titin; minus strand), TTN-AS1 (TTN antisense RNA 1; plus strand). Cytogenetic location: 2q31.2.
Variant type: single nucleotide variant.
Coding change: c.92444G>A on transcript NM_001267550.2 (MANE Select); coding-DNA position 92444, G replaced by A.
Protein change: p.Cys30815Tyr; replaces cysteine 30815 with tyrosine.
Molecular consequence: missense variant.
Genome position (GRCh38, 1-based): chr2:178,549,182, C>T on the plus strand (G>A on the coding strand, the complement: TTN is on the minus strand). VCF-style: chr2-178549182-C-T. GRCh37 (hg19) VCF-style: chr2-179413909-C-T.
Other names: c.87521G>A, p.Cys29174Tyr (NM_001256850.1); c.65249G>A, p.Cys21750Tyr (NM_003319.4); c.84740G>A, p.Cys28247Tyr (NM_133378.4); c.65624G>A, p.Cys21875Tyr (NM_133432.3); c.65825G>A, p.Cys21942Tyr (NM_133437.4); short protein forms C21875Y, C28247Y, C21750Y, C30815Y, C21942Y, C29174Y.
Identifiers: ClinVar variation 1754043 (VCV001754043.2), dbSNP rs1185347998, ClinGen allele CA349493260.

ClinVar aggregate classification (germline): Uncertain significance (1 of 4 stars; one submission).

Conditions:
Cardiovascular phenotype. Identifiers: MedGen CN230736.

Allele frequency attached by ClinVar (database versions not stated): gnomAD exomes below 0.00001.
gnomAD v4.1: 4 of 1,613,818 alleles (0.00025%); highest among the groups gnomAD compares: Admixed American, 0.0033%; no homozygotes.

Submission:

Ambry Genetics
Classification: Uncertain significance for Cardiovascular phenotype. Last evaluated: 2018-05-23. Review status: criteria provided, single submitter. Criteria: Ambry Variant Classification Scheme 2023. Collection method: clinical testing. Allele origin: germline.
Comment: The p.C21750Y variant (also known as c.65249G>A), located in coding exon 166 of the TTN gene, results from a G to A substitution at nucleotide position 65249. The cysteine at codon 21750 is replaced by tyrosine, an amino acid with highly dissimilar properties. This amino acid position is highly conserved in available vertebrate species. In addition, the in silico prediction for this alteration is inconclusive. Since supporting evidence is limited at this time, the clinical significance of this alteration remains unclear.